The following is an entry in ClinVar:

ClinVar aggregate classification (germline): Uncertain significance. Review status: reviewed by expert panel (3 of 4 stars). 4 submissions from 4 submitters: Uncertain significance (1). 3 of the submissions do not count toward it. Last evaluated 2025-05-02.

Conditions:
Inborn genetic diseases. Identifiers: MedGen C0950123, MeSH D030342.
Hereditary thrombocytopenia and hematologic cancer predisposition syndrome. Identifiers: Orphanet 71290, MedGen CN281654, MONDO:0011071.
Acute myeloid leukemia (AML). Also called: Acute myeloid leukemia, adult; AML adult; Acute non-lymphocytic leukemia; Acute granulocytic leukemia; Leukemia, acute myeloid, somatic; Leukemia, acute myelogenous, somatic. Identifiers: Orphanet 519, MedGen C0023467, MeSH D015470, MONDO:0018874, OMIM 601626, HP:0004808. Disease mechanism: Constitutively activated FLT3.
Hereditary thrombocytopenia and hematological cancer predisposition syndrome associated with RUNX1. Also called: Familial Platelet Disorder with Propensity to Acute Myelogenous Leukemia; Familial thrombocytopenia with propensity to acute myelogenous leukemia; RUNX1 Familial Platelet Disorder with Associated Myeloid Malignancies; PLATELET DISORDER, ASPIRIN-LIKE. Identifiers: Orphanet 71290, MedGen C1832388, MeSH C563324, MONDO:0100083, OMIM 601399.

Allele frequency attached by ClinVar (database versions not stated): gnomAD 0.00001; gnomAD exomes 0.00001; TOPMed 0.00001.
gnomAD v4.1: 4 of 1,612,098 alleles (0.00025%); highest among the groups gnomAD compares: Non-Finnish European, 0.00017%; no homozygotes.

Submissions (4):

ClinGen Myeloid Malignancy Variant Curation Expert Panel
Classification: Uncertain significance for Hereditary thrombocytopenia and hematologic cancer predisposition syndrome. Last evaluated: 2025-05-02. Review status: reviewed by expert panel. Criteria: ClinGen MyeloMalig ACMG Specifications v2. Collection method: curation. Allele origin: germline. Inheritance: Autosomal dominant inheritance.
Comment: NM_001754.5(RUNX1):c.239A>C (p.Glu80Ala) is a missense variant which does not meet any ACMG/AMP criteria. In summary, the clinical significance of this variant is uncertain. ACMG/AMP criteria applied, as specified by the Myeloid Malignancy Variant Curation Expert Panel for RUNX1: None.

Ambry Genetics
Classification: Uncertain significance for Inborn genetic diseases. Last evaluated: 2025-06-10. Review status: criteria provided, single submitter. Criteria: Ambry Variant Classification Scheme 2023. Collection method: clinical testing. Allele origin: germline. Not counted in ClinVar's aggregate classification.
Comment: The p.E80A variant (also known as c.239A>C), located in coding exon 3 of the RUNX1 gene, results from an A to C substitution at nucleotide position 239. The glutamic acid at codon 80 is replaced by alanine, an amino acid with dissimilar properties. This amino acid position is highly conserved in available vertebrate species. In addition, this alteration is predicted to be deleterious by in silico analysis. Based on the available evidence, the clinical significance of this variant remains unclear.

Baylor Genetics
Classification: Uncertain significance for Acute myeloid leukemia. Last evaluated: 2023-10-16. Review status: criteria provided, single submitter. Criteria: ACMG Guidelines, 2015. Collection method: clinical testing. Allele origin: unknown. Not counted in ClinVar's aggregate classification.

Labcorp Genetics (formerly Invitae), Labcorp
Classification: Uncertain significance for Hereditary thrombocytopenia and hematological cancer predisposition syndrome associated with RUNX1. Last evaluated: 2023-02-26. Review status: criteria provided, single submitter. Criteria: Invitae Variant Classification Sherloc (09022015). Collection method: clinical testing. Allele origin: germline. Not counted in ClinVar's aggregate classification.
Comment: This sequence change replaces glutamic acid, which is acidic and polar, with alanine, which is neutral and non-polar, at codon 80 of the RUNX1 protein (p.Glu80Ala). This variant is present in population databases (no rsID available, gnomAD 0.005%). This missense change has been observed in individual(s) with clinical features of RUNX1-related conditions (PMID: 34166225). ClinVar contains an entry for this variant (Variation ID: 658195). Advanced modeling of protein sequence and biophysical properties (such as structural, functional, and spatial information, amino acid conservation, physicochemical variation, residue mobility, and thermodynamic stability) has been performed at Invitae for this missense variant, however the output from this modeling did not meet the statistical confidence thresholds required to predict the impact of this variant on RUNX1 protein function. Experimental studies have shown that this missense change does not substantially affect RUNX1 function (PMID: 34166225). In summary, the available evidence is currently insufficient to determine the role of this variant in disease. Therefore, it has been classified as a Variant of Uncertain Significance.

Literature cited by the submitters: PubMed 34166225 (cited by Labcorp Genetics (formerly Invitae), Labcorp).

NM_001754.5(RUNX1):c.239A>C (p.Glu80Ala)

Gene: RUNX1 (RUNX family transcription factor 1; minus strand). Cytogenetic location: 21q22.12.
Variant type: single nucleotide variant.
Coding change: c.239A>C on transcript NM_001754.5 (MANE Select); coding-DNA position 239, A replaced by C.
Protein change: p.Glu80Ala; replaces glutamic acid 80 with alanine.
Molecular consequence: missense variant.
Genome position (GRCh38, 1-based): chr21:34,886,955, T>G on the plus strand (A>C on the coding strand, the complement: RUNX1 is on the minus strand). VCF-style: chr21-34886955-T-G. GRCh37 (hg19) VCF-style: chr21-36259252-T-G.
Other names: NM_001754.5(RUNX1):c.239A>C; p.Glu80Ala; c.158A>C, p.Glu53Ala (NM_001001890.3, NM_001122607.2); short protein forms E80A, E53A.
Identifiers: ClinVar variation 658195 (VCV000658195.12), dbSNP rs1313711063, ClinGen allele CA410203825.
Genomic context (GRCh38, chr21:34,886,955, plus strand): 5'-GAGCAGAGGAAGTTGGGGCTGTCGGTGCGCACCAGCTCGCCCGGGTGGTCGGCCAGCACC[T>G]CCACCATGCTGCGGTCGCCGCTCCTCAGCTTGCCGGCCAGGGCAGCGCCGGCGTCCGGGG-3'
Protein context (NP_001745.2, residues 70-90): KLRSGDRSMV[Glu80Ala]VLADHPGELV